The following is an entry in ClinVar:

ClinVar aggregate classification (germline): Uncertain significance (1 of 4 stars; one submission).

Submission:

Labcorp Genetics (formerly Invitae), Labcorp
Classification: Uncertain significance. Last evaluated: 2024-04-27. Review status: criteria provided, single submitter. Criteria: Invitae Variant Classification Sherloc (09022015). Collection method: clinical testing. Allele origin: germline.
Comment: This sequence change replaces proline, which is neutral and non-polar, with serine, which is neutral and polar, at codon 402 of the RHOBTB2 protein (p.Pro402Ser). This variant is not present in population databases (gnomAD no frequency). This variant has not been reported in the literature in individuals affected with RHOBTB2-related conditions. Advanced modeling of protein sequence and biophysical properties (such as structural, functional, and spatial information, amino acid conservation, physicochemical variation, residue mobility, and thermodynamic stability) performed at Invitae indicates that this missense variant is not expected to disrupt RHOBTB2 protein function with a negative predictive value of 80%. In summary, the available evidence is currently insufficient to determine the role of this variant in disease. Therefore, it has been classified as a Variant of Uncertain Significance.

NM_015178.3(RHOBTB2):c.1138C>T (p.Pro380Ser)

Gene: RHOBTB2 (Rho related BTB domain containing 2; plus strand). Cytogenetic location: 8p21.3.
Variant type: single nucleotide variant.
Coding change: c.1138C>T on transcript NM_015178.3 (MANE Select); coding-DNA position 1138, C replaced by T.
Protein change: p.Pro380Ser; replaces proline 380 with serine.
Molecular consequence: missense variant.
Genome position (GRCh38, 1-based): chr8:23,007,383, C>T. VCF-style: chr8-23007383-C-T. GRCh37 (hg19) VCF-style: chr8-22864896-C-T.
Other names: c.1204C>T, p.Pro402Ser (NM_001160036.2); c.1159C>T, p.Pro387Ser (NM_001160037.2); c.1138C>T, p.Pro380Ser (NM_001374791.1); short protein forms P387S, P402S, P380S.
Identifiers: ClinVar variation 3651326 (VCV003651326.2).